The following is an entry in ClinVar:

NM_016292.3(TRAP1):c.1411G>A (p.Glu471Lys)

Genes: DNASE1 (deoxyribonuclease 1; plus strand), TRAP1 (TNF receptor associated protein 1; minus strand). Cytogenetic location: 16p13.3.
Variant type: single nucleotide variant.
Coding change: c.1411G>A on transcript NM_016292.3 (MANE Select); coding-DNA position 1411, G replaced by A.
Protein change: p.Glu471Lys; replaces glutamic acid 471 with lysine.
Molecular consequence: missense variant. On other transcripts: 3 prime UTR variant (1).
Genome position (GRCh38, 1-based): chr16:3,664,432, C>T on the plus strand (G>A on the coding strand, the complement: TRAP1 is on the minus strand). VCF-style: chr16-3664432-C-T. GRCh37 (hg19) VCF-style: chr16-3714433-C-T.
Other names: c.1252G>A, p.Glu418Lys (NM_001272049.2); c.*1808C>T (NM_001387140.1); short protein forms E418K, E471K.
Identifiers: ClinVar variation 2363964 (VCV002363964.4), dbSNP rs775141873, ClinGen allele CA7868092.

ClinVar aggregate classification (germline): Uncertain significance. Review status: criteria provided, multiple submitters, no conflicts (2 of 4 stars). 2 submissions from 2 submitters: Uncertain significance (2). Last evaluated 2024-12-06.

Conditions:
TRAP1-related disorder. Also called: TRAP1-related condition.

Allele frequency attached by ClinVar (database versions not stated): ExAC 0.00009; TOPMed 0.00004; gnomAD 0.00006; gnomAD exomes 0.00012.
gnomAD v4.1: 188 of 1,611,984 alleles (0.012%); highest among the groups gnomAD compares: Non-Finnish European, 0.014%; no homozygotes.

Submissions (2):

Ambry Genetics
Classification: Uncertain significance. Last evaluated: 2024-12-06. Review status: criteria provided, single submitter. Criteria: Ambry Variant Classification Scheme 2023. Collection method: clinical testing. Allele origin: germline.

PreventionGenetics, part of Exact Sciences
Classification: Uncertain significance for TRAP1-related condition. Last evaluated: 2022-12-15. Review status: criteria provided, single submitter. Criteria: ACMG Guidelines, 2015. Collection method: clinical testing. Allele origin: germline.
Comment: The TRAP1 c.1411G>A variant is predicted to result in the amino acid substitution p.Glu471Lys. To our knowledge, this variant has not been reported in the literature. This variant is reported in 0.012% of alleles in individuals of Latino descent in gnomAD. At this time, the clinical significance of this variant is uncertain due to the absence of conclusive functional and genetic evidence.